The following is an entry in ClinVar:

ClinVar aggregate classification (germline): Likely benign. Review status: reviewed by expert panel (3 of 4 stars). 7 submissions from 7 submitters: Likely benign (1). 6 of the submissions do not count toward it. Last evaluated 2017-06-29.

Conditions:
BRCA1-related disorder. Also called: BRCA1-related condition.
Hereditary breast ovarian cancer syndrome. Also called: Breast and ovarian cancer; Hereditary breast and ovarian cancer; Hereditary breast and ovarian cancer syndrome; Hereditary breast and/or ovarian cancer syndrome; BRCA1- and BRCA2-Associated Hereditary Breast and Ovarian Cancer; Hereditary breast and ovarian cancer syndrome (HBOC). Identifiers: Orphanet 145, MedGen C0677776, MeSH D061325, MONDO:0003582. Disease mechanism: loss of function.
Breast-ovarian cancer, familial, susceptibility to, 1 (BROVCA1). Also called: BRCA1 Hereditary Breast and Ovarian Cancer; OVARIAN CANCER, SUSCEPTIBILITY TO. Identifiers: Orphanet 145, MedGen C2676676, MONDO:0011450, OMIM 604370. Disease mechanism: loss of function.
Hereditary cancer-predisposing syndrome. Also called: Tumor predisposition; Hereditary Cancer Syndrome; Neoplastic Syndromes, Hereditary; Hereditary neoplastic syndrome. Identifiers: Orphanet 140162, MedGen C0027672, MeSH D009386, MONDO:0015356.

Allele frequency attached by ClinVar (database versions not stated): gnomAD exomes below 0.00001; ExAC 0.00001; TOPMed 0.00001; gnomAD 0.00002.
gnomAD v4.1: 4 of 1,613,808 alleles (0.00025%); highest among the groups gnomAD compares: African/African-American, 0.0053%; no homozygotes.

Submissions (7):

Evidence-based Network for the Interpretation of Germline Mutant Alleles (ENIGMA)
Classification: Likely benign for Breast-ovarian cancer, familial, susceptibility to, 1. Last evaluated: 2017-06-29. Review status: reviewed by expert panel. Criteria: ENIGMA BRCA1/2 Classification Criteria (2017-06-29). Collection method: curation. Allele origin: germline.
Comment: Synonymous substitution variant, with low bioinformatic likelihood to result in a splicing aberration (Splicing prior probability 0.02).

PreventionGenetics, part of Exact Sciences
Classification: Likely benign for BRCA1-related condition. Last evaluated: 2026-07-20. Review status: criteria provided, single submitter. Criteria: ACMG Guidelines, 2015. Collection method: clinical testing. Allele origin: germline. Not counted in ClinVar's aggregate classification.
Comment: This variant is classified as likely benign based on ACMG/AMP sequence variant interpretation guidelines (Richards et al. 2015 PMID: 25741868, with internal and published modifications).

Labcorp Genetics (formerly Invitae), Labcorp
Classification: Likely benign for Hereditary breast ovarian cancer syndrome. Last evaluated: 2026-01-19. Review status: criteria provided, single submitter. Criteria: Invitae Variant Classification Sherloc (09022015). Collection method: clinical testing. Allele origin: germline. Not counted in ClinVar's aggregate classification.

Women's Health and Genetics/Laboratory Corporation of America, LabCorp
Classification: Likely benign. Last evaluated: 2022-01-13. Review status: criteria provided, single submitter. Criteria: LabCorp Variant Classification Summary - May 2015. Collection method: clinical testing. Allele origin: germline. Not counted in ClinVar's aggregate classification.

GeneDx
Classification: Likely benign. Last evaluated: 2016-12-12. Review status: criteria provided, single submitter. Criteria: GeneDx Variant Classification (06012015). Collection method: clinical testing. Allele origin: germline. Affected: yes. Not counted in ClinVar's aggregate classification.
Comment: This variant is considered likely benign or benign based on one or more of the following criteria: it is a conservative change, it occurs at a poorly conserved position in the protein, it is predicted to be benign by multiple in silico algorithms, and/or has population frequency not consistent with disease.

Color Diagnostics, LLC DBA Color Health
Classification: Likely benign for Hereditary cancer-predisposing syndrome. Last evaluated: 2016-03-07. Review status: criteria provided, single submitter. Criteria: ACMG Guidelines, 2015. Collection method: clinical testing. Allele origin: germline. Not counted in ClinVar's aggregate classification.

Ambry Genetics
Classification: Likely benign for Hereditary cancer-predisposing syndrome. Last evaluated: 2015-03-06. Review status: criteria provided, single submitter. Criteria: Ambry Variant Classification Scheme 2023. Collection method: clinical testing. Allele origin: germline. Not counted in ClinVar's aggregate classification.

NM_007294.4(BRCA1):c.2625A>G (p.Pro875=)

Gene: BRCA1 (BRCA1 DNA repair associated; minus strand). Cytogenetic location: 17q21.31.
Variant type: single nucleotide variant.
Coding change: c.2625A>G on transcript NM_007294.4 (MANE Select); coding-DNA position 2625, A replaced by G.
Protein change: p.Pro875=; no amino-acid change (proline 875 retained).
Molecular consequence: synonymous variant. On other transcripts: intron variant (137).
Genome position (GRCh38, 1-based): chr17:43,092,906, T>C on the plus strand (A>G on the coding strand, the complement: BRCA1 is on the minus strand). VCF-style: chr17-43092906-T-C. GRCh37 (hg19) VCF-style: chr17-41244923-T-C.
Other names: c.2484A>G, p.Pro828= (NM_001407944.1, NM_001407945.1, NM_007297.4 and 29 more transcripts); c.2292A>G, p.Pro764= (NM_001407946.1, NM_001407947.1, NM_001407948.1 and 6 more transcripts); c.2289A>G, p.Pro763= (NM_001407954.1, NM_001407955.1, NM_001407956.1 and 1 more transcripts); c.2244A>G, p.Pro748= (NM_001407959.1, NM_001407960.1, NM_001407963.1); c.2241A>G, p.Pro747= (NM_001407962.1); c.2481A>G, p.Pro827= (NM_001407964.1, NM_001407740.1, NM_001407741.1 and 20 more transcripts); c.2121A>G, p.Pro707= (NM_001407965.1); c.1737A>G, p.Pro579= (NM_001407966.1, NM_001407967.1); and 41 more.
Identifiers: ClinVar variation 230865 (VCV000230865.21), dbSNP rs754222140, ClinGen allele CA058411.